The following is an entry in ClinVar:

NM_181552.4(CUX1):c.1303C>A (p.Pro435Thr)

Gene: CUX1 (cut like homeobox 1; plus strand). Cytogenetic location: 7q22.1.
Variant type: single nucleotide variant.
Coding change: c.1303C>A on transcript NM_181552.4 (MANE Select); coding-DNA position 1303, C replaced by A.
Protein change: p.Pro435Thr; replaces proline 435 with threonine.
Molecular consequence: missense variant. On other transcripts: intron variant (5).
Genome position (GRCh38, 1-based): chr7:102,196,714, C>A. VCF-style: chr7-102196714-C-A. GRCh37 (hg19) VCF-style: chr7-101839994-C-A.
Other names: c.1336C>A, p.Pro446Thr (NM_001202543.2); c.1255+1111C>A (NM_001913.5); c.1249+1111C>A (NM_181500.4); c.1117+1111C>A (NM_001202545.3); c.1207+1111C>A (NM_001202544.3); c.1138+1111C>A (NM_001202546.3); short protein forms P435T, P446T.
Identifiers: ClinVar variation 4821561 (VCV004821561.4).

ClinVar aggregate classification (germline): Likely benign (1 of 4 stars; one submission).

gnomAD v4.1: 566 of 1,610,598 alleles (0.035%); highest among the groups gnomAD compares: Non-Finnish European, 0.047%; no homozygotes.

Submission:

CeGaT Center for Human Genetics Tuebingen
Classification: Likely benign. Last evaluated: 2026-01-01. Review status: criteria provided, single submitter. Criteria: CeGaT Center For Human Genetics Tuebingen Variant Classification Criteria Version 2. Collection method: clinical testing. Allele origin: germline. Affected: yes. Observed: 2 variant alleles.
Comment: CUX1: BP4, BS2